The following is an entry in ClinVar:

ClinVar aggregate classification (germline): Uncertain significance (1 of 4 stars; one submission).

Submission:

Labcorp Genetics (formerly Invitae), Labcorp
Classification: Uncertain significance. Last evaluated: 2024-08-11. Review status: criteria provided, single submitter. Criteria: Invitae Variant Classification Sherloc (09022015). Collection method: clinical testing. Allele origin: germline.
Comment: This variant, c.113_121del, results in the deletion of 3 amino acid(s) of the PDE2A protein (p.Pro38_Pro40del), but otherwise preserves the integrity of the reading frame. This variant is present in population databases (rs765355643, gnomAD 0.02%). This variant has not been reported in the literature in individuals affected with PDE2A-related conditions. Experimental studies and prediction algorithms are not available or were not evaluated, and the functional significance of this variant is currently unknown. In summary, the available evidence is currently insufficient to determine the role of this variant in disease. Therefore, it has been classified as a Variant of Uncertain Significance.

NM_002599.5(PDE2A):c.107CGC[2] (p.Pro38_Pro40del)

Gene: PDE2A (phosphodiesterase 2A; minus strand). Cytogenetic location: 11q13.4.
Variant type: Microsatellite.
Coding change: c.107CGC[2] on transcript NM_002599.5 (MANE Select); two copies in a row of the 3-base unit CGC starting at c.107; the reference has five copies in a row; three copies, 9 bases deleted.
Protein change: p.Pro38_Pro40del.
Molecular consequence: inframe deletion. On other transcripts: 5 prime UTR variant (1).
Genome position (GRCh38, 1-based): chr11:72,642,277-72,642,285, GCGGCGGCG deleted on the plus strand (CGCCGCCGC on the coding strand, the reverse complement: PDE2A is on the minus strand); deleting any 9 consecutive bases within chr11:72,642,277-72,642,293 gives the same sequence; the position shown is the placement nearest the transcript's 3' end. VCF-style (leftmost placement, unchanged base first): chr11-72642276-TGCGGCGGCG-T. GRCh37 (hg19) VCF-style: chr11-72353320-TGCGGCGGCG-T.
Other names: c.86CGC[2], p.Pro31_Pro33del (NM_001143839.4); c.80CGC[2], p.Pro29_Pro31del (NM_001146209.3); c.-19CGC[2] (NM_001243784.2).
Identifiers: ClinVar variation 1501449 (VCV001501449.5), dbSNP rs761717652, ClinGen allele CA6172751.